The following is an entry in ClinVar:

ClinVar aggregate classification (germline): Benign. Review status: criteria provided, multiple submitters, no conflicts (2 of 4 stars). 2 submissions from 2 submitters: Benign (2). Last evaluated 2018-06-14.

Allele frequency attached by ClinVar (database versions not stated): gnomAD 0.21353 and 0.21466; TOPMed 0.21472; 1000 Genomes Project 0.24621; 1000 Genomes Project 30x 0.24750.
gnomAD v4.1: 32,348 of 151,918 alleles (21%); highest among the groups gnomAD compares: African/African-American, 34%; 4,045 homozygotes.

Submissions (2):

GeneDx
Classification: Benign. Last evaluated: 2018-06-14. Review status: criteria provided, single submitter. Criteria: GeneDx Variant Classification (06012015). Collection method: clinical testing. Allele origin: germline. Affected: yes.
Comment: This variant is considered likely benign or benign based on one or more of the following criteria: it is a conservative change, it occurs at a poorly conserved position in the protein, it is predicted to be benign by multiple in silico algorithms, and/or has population frequency not consistent with disease.

Breakthrough Genomics
Classification: Benign. Review status: criteria provided, single submitter. Criteria: ACMG Guidelines, 2015. Collection method: not provided. Allele origin: germline. Inheritance: Autosomal recessive inheritance. Affected: yes.

NM_001002755.4(NFU1):c.369+166C>T

Gene: NFU1 (NFU1 iron-sulfur cluster scaffold; minus strand). Cytogenetic location: 2p13.3.
Variant type: single nucleotide variant.
Coding change: c.369+166C>T on transcript NM_001002755.4 (MANE Select); 166 bases into the intron after coding-DNA position 369, C replaced by T.
Molecular consequence: intron variant.
Genome position (GRCh38, 1-based): chr2:69,419,372, G>A on the plus strand (C>T on the coding strand, the complement: NFU1 is on the minus strand). VCF-style: chr2-69419372-G-A. GRCh37 (hg19) VCF-style: chr2-69646504-G-A.
Other names: c.297+166C>T (NM_015700.4, NM_001374284.1); c.-55+166C>T (NM_001002756.2).
Identifiers: ClinVar variation 683208 (VCV000683208.2), dbSNP rs7605572, ClinGen allele CA16101418.